The following is an entry in ClinVar:

ClinVar aggregate classification (germline): Likely benign. Review status: criteria provided, multiple submitters, no conflicts (2 of 4 stars). 5 submissions from 5 submitters: Likely benign (3). 2 of the submissions do not count toward it. Last evaluated 2026-01-27.

Conditions:
Pulmonary fibrosis and/or bone marrow failure, Telomere-related, 3. Also called: PULMONARY FIBROSIS AND/OR BONE MARROW FAILURE SYNDROME, TELOMERE-RELATED, 3. Identifiers: Orphanet 2032, MedGen C4225346, MONDO:0014613, OMIM 616373.
Dyskeratosis congenita, autosomal recessive 5 (DKCB5). Identifiers: MedGen C3554656, MONDO:0014076, OMIM 615190.
RTEL1-related disorder. Also called: RTEL1-related disorders; RTEL1-related condition.
Inborn genetic diseases. Identifiers: MedGen C0950123, MeSH D030342.
Dyskeratosis congenita. Identifiers: Orphanet 1775, MedGen C0265965, MONDO:0015780.

Allele frequency attached by ClinVar (database versions not stated): TOPMed 0.00002; 1000 Genomes Project 0.00140; 1000 Genomes Project 30x 0.00141.
gnomAD v4.1: 518 of 1,610,786 alleles (0.032%); highest among the groups gnomAD compares: South Asian, 0.54%; 6 homozygotes.

Submissions (5):

Labcorp Genetics (formerly Invitae), Labcorp
Classification: Likely benign for Dyskeratosis congenita, autosomal recessive 5; Pulmonary fibrosis and/or bone marrow failure, Telomere-related, 3. Last evaluated: 2026-01-27. Review status: criteria provided, single submitter. Criteria: Invitae Variant Classification Sherloc (09022015). Collection method: clinical testing. Allele origin: germline.

Ambry Genetics
Classification: Likely benign for Inborn genetic diseases. Last evaluated: 2022-03-25. Review status: criteria provided, single submitter. Criteria: Ambry Variant Classification Scheme 2023. Collection method: clinical testing. Allele origin: germline.

Sema4
Classification: Likely benign for Dyskeratosis congenita. Last evaluated: 2021-06-29. Review status: criteria provided, single submitter. Criteria: Sema4 Curation Guidelines. Collection method: curation. Allele origin: germline.

PreventionGenetics, part of Exact Sciences
Classification: Likely benign for RTEL1-related condition. Last evaluated: 2021-04-16. Review status: no assertion criteria provided. Collection method: clinical testing. Allele origin: germline. Not counted in ClinVar's aggregate classification.
Comment: This variant is classified as likely benign based on ACMG/AMP sequence variant interpretation guidelines (Richards et al. 2015 PMID: 25741868, with internal and published modifications).

Natera, Inc.
Classification: Likely benign for Dyskeratosis congenita. Last evaluated: 2020-09-16. Review status: no assertion criteria provided. Collection method: clinical testing. Allele origin: germline. Not counted in ClinVar's aggregate classification.

NM_001283009.2(RTEL1):c.2662G>C (p.Val888Leu)

Genes: RTEL1-TNFRSF6B (RTEL1-TNFRSF6B readthrough (NMD candidate); plus strand), RTEL1 (regulator of telomere elongation helicase 1; plus strand). Cytogenetic location: 20q13.33.
Variant type: single nucleotide variant.
Coding change: c.2662G>C on transcript NM_001283009.2 (MANE Select); coding-DNA position 2662, G replaced by C.
Protein change: p.Val888Leu; replaces valine 888 with leucine.
Molecular consequence: missense variant. On other transcripts: non-coding transcript variant (1).
Genome position (GRCh38, 1-based): chr20:63,692,814, G>C. VCF-style: chr20-63692814-G-C. GRCh37 (hg19) VCF-style: chr20-62324167-G-C.
Other names: c.1993G>C, p.Val665Leu (NM_001283010.1); c.2662G>C, p.Val888Leu (NM_016434.4); c.2734G>C, p.Val912Leu (NM_032957.5); short protein forms V912L, V665L, V888L.
Identifiers: ClinVar variation 719059 (VCV000719059.17), dbSNP rs200505378, ClinGen allele CA9965492.